The following is an entry in ClinVar:

ClinVar aggregate classification (germline): Pathogenic (1 of 4 stars; one submission).

Conditions:
Jeune thoracic dystrophy. Also called: Jeune syndrome; Infantile thoracic dystrophy; Thoracic pelvic phalangeal dystrophy; Jeune's syndrome; Chondroectodermal dysplasia-like syndrome; Short-rib thoracic dysplasia. Identifiers: Orphanet 474, MedGen C0265275, MONDO:0018770.
Nephronophthisis. Also called: Juvenile Nephronophthisis. Identifiers: Orphanet 655, MedGen C0687120, MONDO:0019005, HP:0000090.

Allele frequency attached by ClinVar (database versions not stated): TOPMed below 0.00001; gnomAD 0.00001.
gnomAD v4.1: 2 of 1,613,456 alleles (0.00012%); highest among the groups gnomAD compares: Admixed American, 0.0017%; no homozygotes.

Submission:

Labcorp Genetics (formerly Invitae), Labcorp
Classification: Pathogenic for Jeune thoracic dystrophy; Nephronophthisis. Last evaluated: 2022-12-18. Review status: criteria provided, single submitter. Criteria: Invitae Variant Classification Sherloc (09022015). Collection method: clinical testing. Allele origin: germline.
Comment: For these reasons, this variant has been classified as Pathogenic. This variant has not been reported in the literature in individuals affected with TTC21B-related conditions. This variant is present in population databases (no rsID available, gnomAD 0.003%). This sequence change creates a premature translational stop signal (p.Gln872*) in the TTC21B gene. It is expected to result in an absent or disrupted protein product. Loss-of-function variants in TTC21B are known to be pathogenic (PMID: 18327258, 21068128, 21258341, 23559409, 24876116, 25492405, 27491411, 29068549).

Literature cited by the submitters: PubMed 18327258; PubMed 21068128; PubMed 21258341; PubMed 23559409; PubMed 24876116; PubMed 25492405; PubMed 27491411; PubMed 29068549.

NM_024753.5(TTC21B):c.2614C>T (p.Gln872Ter)

Gene: TTC21B (tetratricopeptide repeat domain 21B; minus strand). Cytogenetic location: 2q24.3.
Variant type: single nucleotide variant.
Coding change: c.2614C>T on transcript NM_024753.5 (MANE Select); coding-DNA position 2614, C replaced by T.
Protein change: p.Gln872Ter; replaces glutamine 872 with a stop codon.
Molecular consequence: nonsense.
Genome position (GRCh38, 1-based): chr2:165,901,865, G>A on the plus strand (C>T on the coding strand, the complement: TTC21B is on the minus strand). VCF-style: chr2-165901865-G-A. GRCh37 (hg19) VCF-style: chr2-166758375-G-A.
Other names: short protein forms Q872*.
Identifiers: ClinVar variation 2948262 (VCV002948262.3), dbSNP rs1168548075, ClinGen allele CA349052908.
Genomic context (GRCh38, chr2:165,901,865, plus strand): 5'-TTGCAATCTCTGCACAAATTTCAGCTGCTAAATGTTTCTGTGCAGGAACTGCATCTGGCT[G>A]TTCCATCTGAACACGTTTTAGTACCCGAGCTTGTAATTCTCGAGCCTAGAAAAAATCAGT-3'